The following is an entry in ClinVar:

ClinVar aggregate classification (germline): Uncertain significance (1 of 4 stars; one submission).

Conditions:
Arrhythmogenic right ventricular dysplasia 11. Also called: Arrhythmogenic right ventricular dysplasia 11 with mild palmoplantar keratoderma and woolly hair; Arrhythmogenic Right Ventricular Dysplasia/Cardiomyopathy11; ARRHYTHMOGENIC RIGHT VENTRICULAR DYSPLASIA, FAMILIAL, 11. Identifiers: MedGen C1864850, MONDO:0012506, OMIM 610476.

Allele frequency attached by ClinVar (database versions not stated): gnomAD exomes below 0.00001.
gnomAD v4.1: 1 of 1,613,676 alleles (0.000062%); highest among the groups gnomAD compares: Admixed American, 0.0017%; no homozygotes.

Submission:

Labcorp Genetics (formerly Invitae), Labcorp
Classification: Uncertain significance for Arrhythmogenic right ventricular dysplasia 11. Last evaluated: 2021-05-16. Review status: criteria provided, single submitter. Criteria: Invitae Variant Classification Sherloc (09022015). Collection method: clinical testing. Allele origin: germline.
Comment: This sequence change replaces alanine with threonine at codon 215 of the DSC2 protein (p.Ala215Thr). The alanine residue is highly conserved and there is a small physicochemical difference between alanine and threonine. This variant is not present in population databases (ExAC no frequency). This variant has not been reported in the literature in individuals with DSC2-related conditions. Algorithms developed to predict the effect of missense changes on protein structure and function are either unavailable or do not agree on the potential impact of this missense change (SIFT: "Deleterious"; PolyPhen-2: "Probably Damaging"; Align-GVGD: "Class C0"). In summary, the available evidence is currently insufficient to determine the role of this variant in disease. Therefore, it has been classified as a Variant of Uncertain Significance.

NM_024422.6(DSC2):c.643G>A (p.Ala215Thr)

Gene: DSC2 (desmocollin 2; minus strand). Cytogenetic location: 18q12.1.
Variant type: single nucleotide variant.
Coding change: c.643G>A on transcript NM_024422.6 (MANE Select); coding-DNA position 643, G replaced by A.
Protein change: p.Ala215Thr; replaces alanine 215 with threonine.
Molecular consequence: missense variant.
Genome position (GRCh38, 1-based): chr18:31,087,801, C>T on the plus strand (G>A on the coding strand, the complement: DSC2 is on the minus strand). VCF-style: chr18-31087801-C-T. GRCh37 (hg19) VCF-style: chr18-28667764-C-T.
Other names: c.643G>A, p.Ala215Thr (NM_004949.5); short protein forms A215T.
Identifiers: ClinVar variation 1441261 (VCV001441261.8), dbSNP rs1435574320, ClinGen allele CA402113119.
Genomic context (GRCh38, chr18:31,087,801, plus strand): 5'-CCTCTATTTTGATTATTAGGGGCAGTGGAAGTTCTGGAGTATACCCATCTGGAGTTGTTG[C>T]AAAGGCAATTATCTGTGAAGAGAGTAAAATAAGGAGAAAAGTGAAAATAATCTTTTAAAA-3'
Protein context (NP_077740.1, residues 205-225): QYESFEIIAF[Ala215Thr]TTPDGYTPEL